The following is an entry in ClinVar:

NM_020937.4(FANCM):c.3784A>T (p.Arg1262Trp)

Gene: FANCM (FA complementation group M; plus strand). Cytogenetic location: 14q21.2.
Variant type: single nucleotide variant.
Coding change: c.3784A>T on transcript NM_020937.4 (MANE Select); coding-DNA position 3784, A replaced by T.
Protein change: p.Arg1262Trp; replaces arginine 1262 with tryptophan.
Molecular consequence: missense variant.
Genome position (GRCh38, 1-based): chr14:45,176,538, A>T. VCF-style: chr14-45176538-A-T. GRCh37 (hg19) VCF-style: chr14-45645741-A-T.
Other names: c.3706A>T, p.Arg1236Trp (NM_001308133.2); short protein forms R1262W, R1236W.
Identifiers: ClinVar variation 4844575 (VCV004844575.1).

ClinVar aggregate classification (germline): Uncertain significance (1 of 4 stars; one submission).

Conditions:
Inborn genetic diseases. Identifiers: MedGen C0950123, MeSH D030342.

Submission:

Ambry Genetics
Classification: Uncertain significance for Inborn genetic diseases. Last evaluated: 2026-02-22. Review status: criteria provided, single submitter. Criteria: Ambry Variant Classification Scheme 2023. Collection method: clinical testing. Allele origin: germline.
Comment: The p.R1262W variant (also known as c.3784A>T), located in coding exon 14 of the FANCM gene, results from an A to T substitution at nucleotide position 3784. The arginine at codon 1262 is replaced by tryptophan, an amino acid with dissimilar properties. This amino acid position is conserved. In addition, this alteration is predicted to be tolerated by in silico analysis. Based on the available evidence, the clinical significance of this variant remains unclear.